The following is an entry in ClinVar:

NM_144670.6(A2ML1):c.3007G>C (p.Val1003Leu)

Gene: A2ML1 (alpha-2-macroglobulin like 1; plus strand). Cytogenetic location: 12p13.31.
Variant type: single nucleotide variant.
Coding change: c.3007G>C on transcript NM_144670.6 (MANE Select); coding-DNA position 3007, G replaced by C.
Protein change: p.Val1003Leu; replaces valine 1003 with leucine.
Molecular consequence: missense variant.
Genome position (GRCh38, 1-based): chr12:8,857,322, G>C. VCF-style: chr12-8857322-G-C. GRCh37 (hg19) VCF-style: chr12-9009918-G-C.
Other names: c.1534G>C, p.Val512Leu (NM_001282424.3); c.3007G>C (NM_144670.3); short protein forms V1003L, V512L.
Identifiers: ClinVar variation 1065137 (VCV001065137.2), dbSNP rs2136913749, ClinGen allele CA383836396.

ClinVar aggregate classification (germline): Uncertain significance. Review status: criteria provided, multiple submitters, no conflicts (2 of 4 stars). 2 submissions from 2 submitters: Uncertain significance (2). Last evaluated 2025-08-24.

Submissions (2):

Ambry Genetics
Classification: Uncertain significance. Last evaluated: 2025-08-24. Review status: criteria provided, single submitter. Criteria: Ambry Variant Classification Scheme 2023. Collection method: clinical testing. Allele origin: germline.
Comment: The p.V1003L variant (also known as c.3007G>C), located in coding exon 24 of the A2ML1 gene, results from a G to C substitution at nucleotide position 3007. The valine at codon 1003 is replaced by leucine, an amino acid with highly similar properties. This amino acid position is conserved. In addition, this alteration is predicted to be tolerated by in silico analysis. Based on the available evidence, the clinical significance of this variant remains unclear.

Women's Health and Genetics/Laboratory Corporation of America, LabCorp
Classification: Uncertain significance. Last evaluated: 2021-04-15. Review status: criteria provided, single submitter. Criteria: LabCorp Variant Classification Summary - May 2015. Collection method: clinical testing. Allele origin: germline.
Comment: Variant summary: A2ML1 c.3007G>C (p.Val1003Leu) results in a conservative amino acid change located in the Alpha-macroglobulin-like, TED domain (IPR011626) of the encoded protein sequence. Five of five in-silico tools predict a benign effect of the variant on protein function. The variant was absent in 249418 control chromosomes. The available data on variant occurrences in the general population are insufficient to allow any conclusion about variant significance. To our knowledge, no occurrence of c.3007G>C in individuals affected with Noonan Syndrome and no experimental evidence demonstrating its impact on protein function have been reported. No clinical diagnostic laboratories have submitted clinical-significance assessments for this variant to ClinVar after 2014. Based on the evidence outlined above, the variant was classified as uncertain significance.